The following is an entry in ClinVar:

ClinVar aggregate classification (germline): Likely pathogenic (1 of 4 stars; one submission).

Conditions:
Autosomal recessive nonsyndromic hearing loss 3. Also called: NEUROSENSORY NONSYNDROMIC RECESSIVE DEAFNESS 3. Identifiers: Orphanet 90636, MedGen C1838263, MONDO:0010860, OMIM 600316.

Submission:

Juno Genomics, Hangzhou Juno Genomics, Inc
Classification: Likely pathogenic for Autosomal recessive nonsyndromic hearing loss 3. Review status: criteria provided, single submitter. Criteria: ACMG Guidelines, 2015. Collection method: clinical testing. Allele origin: germline.
Comment: Null variant in a gene where loss of function (LOF) is a known mechanism of disease.;Absent from controls (or at extremely low frequency if recessive) in Genome Aggregation Database.

NM_016239.4(MYO15A):c.2438dup (p.Ala814fs)

Gene: MYO15A (myosin XVA; plus strand). Cytogenetic location: 17p11.2.
Variant type: Duplication.
Coding change: c.2438dup on transcript NM_016239.4 (MANE Select); coding-DNA position 2438, one base duplicated (C; older notation c.2438dupC).
Protein change: p.Ala814fs; shifts the reading frame from alanine 814.
Molecular consequence: frameshift variant.
Genome position (GRCh38, 1-based): chr17:18,121,238, C duplicated; the last of 5 consecutive C bases (chr17:18,121,234-18,121,238); duplicating any one gives the same sequence. VCF-style (leftmost placement, unchanged base first): chr17-18121233-G-GC. GRCh37 (hg19) VCF-style: chr17-18024547-G-GC.
Other names: short protein forms A814fs.
Identifiers: ClinVar variation 5005708 (VCV005005708.2).